The following is an entry in ClinVar:

NM_000121.4(EPOR):c.*425C>T

Gene: EPOR (erythropoietin receptor; minus strand). Cytogenetic location: 19p13.2.
Variant type: single nucleotide variant.
Coding change: c.*425C>T on transcript NM_000121.4 (MANE Select); 425 bases downstream of the stop codon, C replaced by T.
Molecular consequence: 3 prime UTR variant. On other transcripts: non-coding transcript variant (1).
Genome position (GRCh38, 1-based): chr19:11,377,559, G>A on the plus strand (C>T on the coding strand, the complement: EPOR is on the minus strand). VCF-style: chr19-11377559-G-A. GRCh37 (hg19) VCF-style: chr19-11488235-G-A.
Identifiers: ClinVar variation 328135 (VCV000328135.5), dbSNP rs140441486, ClinGen allele CA9210441.

ClinVar aggregate classification (germline): Benign (1 of 4 stars; one submission).

Conditions:
Primary familial polycythemia due to EPO receptor mutation. Also called: ERYTHROCYTOSIS, SOMATIC; POLYCYTHEMIA, PRIMARY FAMILIAL AND CONGENITAL; Primary Familial Congenital Polycythemia; Erythrocytosis, familial, 1. Identifiers: Orphanet 90042, MedGen C4551637, MONDO:0007572, OMIM 133100.

Allele frequency attached by ClinVar (database versions not stated): ExAC 0.00028; gnomAD exomes 0.00081 and 0.00099; 1000 Genomes Project 0.00100; gnomAD 0.00114 and 0.00118; TOPMed 0.00140; 1000 Genomes Project 30x 0.00156.
gnomAD v4.1: 427 of 455,016 alleles (0.094%); highest among the groups gnomAD compares: Admixed American, 0.31%; 2 homozygotes.

Submission:

Illumina Laboratory Services, Illumina
Classification: Benign for Primary familial polycythemia due to EPO receptor mutation. Last evaluated: 2018-01-13. Review status: criteria provided, single submitter. Criteria: ICSL Variant Classification Criteria 13 December 2019. Collection method: clinical testing. Allele origin: germline.
Comment: This variant was observed in the ICSL laboratory as part of a predisposition screen in an ostensibly healthy population. It had not been previously curated by ICSL or reported in the Human Gene Mutation Database (HGMD: prior to June 1st, 2018), and was therefore a candidate for classification through an automated scoring system. Utilizing variant allele frequency, disease prevalence and penetrance estimates, and inheritance mode, an automated score was calculated to assess if this variant is too frequent to cause the disease. Based on the score and internal cut-off values, a variant classified as benign is not then subjected to further curation. The score for this variant resulted in a classification of benign for this disease.